The following is an entry in ClinVar:

NM_001876.4(CPT1A):c.244G>A (p.Gly82Arg)

Gene: CPT1A (carnitine palmitoyltransferase 1A; minus strand). Cytogenetic location: 11q13.3.
Variant type: single nucleotide variant.
Coding change: c.244G>A on transcript NM_001876.4 (MANE Select); coding-DNA position 244, G replaced by A.
Protein change: p.Gly82Arg; replaces glycine 82 with arginine.
Molecular consequence: missense variant.
Genome position (GRCh38, 1-based): chr11:68,812,474, C>T on the plus strand (G>A on the coding strand, the complement: CPT1A is on the minus strand). VCF-style: chr11-68812474-C-T. GRCh37 (hg19) VCF-style: chr11-68579942-C-T.
Other names: c.244G>A, p.Gly82Arg (NM_001031847.3); short protein forms G82R.
Identifiers: ClinVar variation 1394216 (VCV001394216.8), dbSNP rs2154001160, ClinGen allele CA381637894.

ClinVar aggregate classification (germline): Uncertain significance (1 of 4 stars; one submission).

Conditions:
Carnitine palmitoyl transferase 1A deficiency. Also called: CPT deficiency, hepatic, type IA; Carnitine palmitoyltransferase 1A deficiency; CPT I DEFICIENCY; CPT DEFICIENCY, HEPATIC, TYPE I; Carnitine palmitoyltransferase type I deficiency. Identifiers: Orphanet 156, MedGen C1829703, MONDO:0009705, OMIM 255120.

Submission:

Labcorp Genetics (formerly Invitae), Labcorp
Classification: Uncertain significance for Carnitine palmitoyl transferase 1A deficiency. Last evaluated: 2021-02-28. Review status: criteria provided, single submitter. Criteria: Invitae Variant Classification Sherloc (09022015). Collection method: clinical testing. Allele origin: germline.
Comment: This variant is not present in population databases (ExAC no frequency). In summary, the available evidence is currently insufficient to determine the role of this variant in disease. Therefore, it has been classified as a Variant of Uncertain Significance. Algorithms developed to predict the effect of missense changes on protein structure and function are either unavailable or do not agree on the potential impact of this missense change (SIFT: "Deleterious"; PolyPhen-2: "Possibly Damaging"; Align-GVGD: "Class C0"). This variant has not been reported in the literature in individuals with CPT1A-related conditions. This sequence change replaces glycine with arginine at codon 82 of the CPT1A protein (p.Gly82Arg). The glycine residue is moderately conserved and there is a moderate physicochemical difference between glycine and arginine.